The following is an entry in ClinVar:

ClinVar aggregate classification (germline): Pathogenic (1 of 4 stars; one submission).

Conditions:
PKD1-related disorder. Also called: PKD1-related condition.

Submission:

PreventionGenetics, part of Exact Sciences
Classification: Pathogenic for PKD1-related condition. Last evaluated: 2023-06-13. Review status: criteria provided, single submitter. Criteria: ACMG Guidelines, 2015. Collection method: clinical testing. Allele origin: germline.
Comment: The PKD1 c.1663G>T variant is predicted to result in premature protein termination (p.Gly555*). To our knowledge, this variant has not been reported in the literature or in a large population database, indicating this variant is rare. Nonsense variants in PKD1 are expected to be pathogenic. This variant is interpreted as pathogenic.

NM_001009944.3(PKD1):c.1663G>T (p.Gly555Ter)

Gene: PKD1 (polycystin 1, transient receptor potential channel interacting; minus strand). Cytogenetic location: 16p13.3.
Variant type: single nucleotide variant.
Coding change: c.1663G>T on transcript NM_001009944.3 (MANE Select); coding-DNA position 1663, G replaced by T.
Protein change: p.Gly555Ter; replaces glycine 555 with a stop codon.
Molecular consequence: nonsense.
Genome position (GRCh38, 1-based): chr16:2,116,588, C>A on the plus strand (G>T on the coding strand, the complement: PKD1 is on the minus strand). VCF-style: chr16-2116588-C-A. GRCh37 (hg19) VCF-style: chr16-2166589-C-A.
Other names: c.1663G>T, p.Gly555Ter (NM_000296.4); short protein forms G555*.
Identifiers: ClinVar variation 2632166 (VCV002632166.1), dbSNP rs2092640827, ClinGen allele CA394391474.